The following is an entry in ClinVar:

ClinVar aggregate classification (germline): Uncertain significance (1 of 4 stars; one submission).

Conditions:
Growth hormone insensitivity with immune dysregulation 1, autosomal recessive. Also called: GROWTH HORMONE INSENSITIVITY DUE TO POSTRECEPTOR DEFECT; LARON SYNDROME DUE TO POSTRECEPTOR DEFECT; GROWTH HORMONE INSENSITIVITY SYNDROME WITH IMMUNE DYSREGULATION 1, AUTOSOMAL RECESSIVE; Laron syndrome with immunodeficiency. Identifiers: Orphanet 220465, MedGen C5435698, MONDO:0100211, OMIM 245590.

Submission:

Labcorp Genetics (formerly Invitae), Labcorp
Classification: Uncertain significance for Growth hormone insensitivity with immune dysregulation 1, autosomal recessive. Last evaluated: 2024-07-01. Review status: criteria provided, single submitter. Criteria: Invitae Variant Classification Sherloc (09022015). Collection method: clinical testing. Allele origin: germline.
Comment: This sequence change replaces tyrosine, which is neutral and polar, with cysteine, which is neutral and slightly polar, at codon 548 of the STAT5B protein (p.Tyr548Cys). This variant is not present in population databases (gnomAD no frequency). This variant has not been reported in the literature in individuals affected with STAT5B-related conditions. Advanced modeling of protein sequence and biophysical properties (such as structural, functional, and spatial information, amino acid conservation, physicochemical variation, residue mobility, and thermodynamic stability) performed at Invitae indicates that this missense variant is not expected to disrupt STAT5B protein function with a negative predictive value of 80%. In summary, the available evidence is currently insufficient to determine the role of this variant in disease. Therefore, it has been classified as a Variant of Uncertain Significance.

NM_012448.4(STAT5B):c.1643A>G (p.Tyr548Cys)

Gene: STAT5B (signal transducer and activator of transcription 5B; minus strand). Cytogenetic location: 17q21.2.
Variant type: single nucleotide variant.
Coding change: c.1643A>G on transcript NM_012448.4 (MANE Select); coding-DNA position 1643, A replaced by G.
Protein change: p.Tyr548Cys; replaces tyrosine 548 with cysteine.
Molecular consequence: missense variant.
Genome position (GRCh38, 1-based): chr17:42,212,021, T>C on the plus strand (A>G on the coding strand, the complement: STAT5B is on the minus strand). VCF-style: chr17-42212021-T-C. GRCh37 (hg19) VCF-style: chr17-40364039-T-C.
Other names: short protein forms Y548C.
Identifiers: ClinVar variation 3653854 (VCV003653854.2).